The following is an entry in ClinVar:

NM_021930.6(RINT1):c.42G>T (p.Pro14=)

Gene: RINT1 (RAD50 interactor 1; plus strand). Cytogenetic location: 7q22.3.
Variant type: single nucleotide variant.
Coding change: c.42G>T on transcript NM_021930.6 (MANE Select); coding-DNA position 42, G replaced by T.
Protein change: p.Pro14=; no amino-acid change (proline 14 retained).
Molecular consequence: synonymous variant. On other transcripts: 5 prime UTR variant (4), non-coding transcript variant (1).
Genome position (GRCh38, 1-based): chr7:105,532,357, G>T. VCF-style: chr7-105532357-G-T. GRCh37 (hg19) VCF-style: chr7-105172804-G-T.
Other names: c.-56G>T (NM_001346599.2); c.-978G>T (NM_001346600.2); c.-881G>T (NM_001346601.2); c.-501G>T (NM_001346603.2).
Identifiers: ClinVar variation 862345 (VCV000862345.10), dbSNP rs528759477, ClinGen allele CA4426310.
Genomic context (GRCh38, chr7:105,532,357, plus strand): 5'-GGACTCGCGCGGAGGCGAGATGCTACCAGCCGGCGAGATCGGCGCCTCTCCTGCAGCCCC[G>T]GTGAGACGGCCCTGGCGTCCCTGGGAGGGGACATTGGTGGCCCATTGAGGTGGCACAGAC-3'
Protein context (NP_068749.3, residues 4-24): AGEIGASPAA[Pro14=]CCSESGDERK

ClinVar aggregate classification (germline): Uncertain significance. Review status: criteria provided, multiple submitters, no conflicts (2 of 4 stars). 2 submissions from 2 submitters: Uncertain significance (2). Last evaluated 2023-08-10.

Allele frequency attached by ClinVar (database versions not stated): gnomAD 0.00001; ExAC 0.00002; 1000 Genomes Project 0.00020; 1000 Genomes Project 30x 0.00031.

Submissions (2):

Labcorp Genetics (formerly Invitae), Labcorp
Classification: Uncertain significance. Last evaluated: 2023-08-10. Review status: criteria provided, single submitter. Criteria: Invitae Variant Classification Sherloc (09022015). Collection method: clinical testing. Allele origin: germline.
Comment: In summary, the available evidence is currently insufficient to determine the role of this variant in disease. Therefore, it has been classified as a Variant of Uncertain Significance. Variants that disrupt the consensus splice site are a relatively common cause of aberrant splicing (PMID: 17576681, 9536098). Algorithms developed to predict the effect of sequence changes on RNA splicing suggest that this variant is not likely to affect RNA splicing. ClinVar contains an entry for this variant (Variation ID: 862345). This variant has not been reported in the literature in individuals affected with RINT1-related conditions. The frequency data for this variant in the population databases is considered unreliable, as metrics indicate poor data quality at this position in the gnomAD database. This sequence change affects codon 14 of the RINT1 mRNA. It is a 'silent' change, meaning that it does not change the encoded amino acid sequence of the RINT1 protein. This variant also falls at the last nucleotide of exon 1, which is part of the consensus splice site for this exon.

Ambry Genetics
Classification: Uncertain significance. Last evaluated: 2021-11-08. Review status: criteria provided, single submitter. Criteria: Ambry Variant Classification Scheme 2023. Collection method: clinical testing. Allele origin: germline.
Comment: The c.42G>T variant (also known as p.P14P) is located in coding exon 1 of the RINT1 gene. This variant results from a G to T substitution at nucleotide position 42. This nucleotide substitution does not change the proline at codon 14. However, this change occurs in the last base pair of coding exon 1, which makes it likely to have some effect on normal mRNA splicing. This nucleotide position is highly conserved in available vertebrate species. In silico splice site analysis predicts that this alteration will not have any significant effect on splicing. The evidence for this gene-disease relationship is limited; therefore, the clinical significance of this alteration is unclear.

Literature cited by the submitters: PubMed 17576681 (cited by Labcorp Genetics (formerly Invitae), Labcorp); PubMed 9536098 (cited by Labcorp Genetics (formerly Invitae), Labcorp).